The following is an entry in ClinVar:

NM_000535.7(PMS2):c.1726A>G (p.Thr576Ala)

Gene: PMS2 (PMS1 homolog 2, mismatch repair system component; minus strand). Cytogenetic location: 7p22.1.
Variant type: single nucleotide variant.
Coding change: c.1726A>G on transcript NM_000535.7 (MANE Select); coding-DNA position 1726, A replaced by G.
Protein change: p.Thr576Ala; replaces threonine 576 with alanine.
Molecular consequence: missense variant. On other transcripts: non-coding transcript variant (1), intron variant (1).
Genome position (GRCh38, 1-based): chr7:5,987,039, T>C on the plus strand (A>G on the coding strand, the complement: PMS2 is on the minus strand). VCF-style: chr7-5987039-T-C. GRCh37 (hg19) VCF-style: chr7-6026670-T-C.
Other names: c.1321A>G, p.Thr441Ala (NM_001322003.2, NM_001322004.2, NM_001322005.2 and 16 more transcripts); c.1570A>G, p.Thr524Ala (NM_001322006.2, NM_001406870.1); c.1408A>G, p.Thr470Ala (NM_001322007.2, NM_001322008.2, NM_001406876.1 and 2 more transcripts); c.1165A>G, p.Thr389Ala (NM_001322010.2, NM_001406906.1, NM_001406907.1); c.793A>G, p.Thr265Ala (NM_001322011.2, NM_001322012.2); c.1153A>G, p.Thr385Ala (NM_001322013.2, NM_001406909.1); c.1726A>G, p.Thr576Ala (NM_001322014.2, NM_001406871.1, NM_001406872.1); c.1417A>G, p.Thr473Ala (NM_001322015.2, NM_001406875.1, NM_001406877.1 and 5 more transcripts); and 13 more; short protein forms T265A, T319A, T385A, T389A, T405A, T418A, T421A, T441A.
Identifiers: ClinVar variation 4757879 (VCV004757879.1).

ClinVar aggregate classification (germline): Uncertain significance (1 of 4 stars; one submission).

Conditions:
Hereditary cancer-predisposing syndrome. Also called: Tumor predisposition; Hereditary Cancer Syndrome; Neoplastic Syndromes, Hereditary; Hereditary neoplastic syndrome. Identifiers: Orphanet 140162, MedGen C0027672, MeSH D009386, MONDO:0015356.

Submission:

Color Diagnostics, LLC DBA Color Health
Classification: Uncertain significance for Hereditary cancer-predisposing syndrome. Last evaluated: 2025-08-24. Review status: criteria provided, single submitter. Criteria: ACMG Guidelines, 2015. Collection method: clinical testing. Allele origin: germline.
Comment: This missense variant replaces threonine with alanine at codon 576 of the PMS2 protein. Computational prediction suggests that this variant may not impact protein structure and function. To our knowledge, functional studies have not been reported for this variant. This variant has not been reported in individuals affected with PMS2-related disorders in the literature. This variant has not been identified in the general population by the Genome Aggregation Database (gnomAD). The available evidence is insufficient to determine the role of this variant in disease conclusively. Therefore, this variant is classified as a Variant of Uncertain Significance.